The following is an entry in ClinVar:

ClinVar aggregate classification (germline): Pathogenic (1 of 4 stars; one submission).

Conditions:
Mucopolysaccharidosis, MPS-IV-A (MPS4A). Also called: Morquio syndrome A, mild; MORQUIO SYNDROME A; GALACTOSAMINE-6-SULFATASE DEFICIENCY; GALNS DEFICIENCY; MORQUIO A DISEASE; Mucopolysaccharidosis type IV A. Identifiers: Orphanet 309297, Orphanet 582, MedGen C0086651, MONDO:0009659, OMIM 253000.

Submission:

Labcorp Genetics (formerly Invitae), Labcorp
Classification: Pathogenic for Mucopolysaccharidosis, MPS-IV-A. Last evaluated: 2023-12-20. Review status: criteria provided, single submitter. Criteria: Invitae Variant Classification Sherloc (09022015). Collection method: clinical testing. Allele origin: unknown.
Comment: This variant is a gross deletion of the genomic region encompassing exon(s) 1-4 of the GALNS gene, which includes the initiator codon. This deletion extends beyond the assayed region for this gene and therefore may encompass additional genes. It is expected to result in an absent or disrupted protein product. Loss-of-function variants in GALNS are known to be pathogenic (PMID: 12442278). This variant has not been reported in the literature in individuals affected with GALNS-related conditions. For these reasons, this variant has been classified as Pathogenic.

Literature cited by the submitters: PubMed 12442278.

NC_000016.9:g.(?_88907380)_(88923285_?)del

Gene: GALNS (galactosamine (N-acetyl)-6-sulfatase; minus strand). Cytogenetic location: 16q24.3.
Variant type: Deletion.
Identifiers: ClinVar variation 3243315 (VCV003243315.1).